The following is an entry in ClinVar:

ClinVar aggregate classification (germline): Likely benign. Review status: criteria provided, multiple submitters, no conflicts (2 of 4 stars). 2 submissions from 2 submitters: Likely benign (2). Last evaluated 2025-11-01.

Conditions:
Charcot-Marie-Tooth disease axonal type 2O. Also called: CHARCOT-MARIE-TOOTH NEUROPATHY, AXONAL, TYPE 2O; CHARCOT-MARIE-TOOTH DISEASE, AXONAL, AUTOSOMAL DOMINANT, TYPE 2O; Charcot-Marie-Tooth Neuropathy Type 2O; Charcot-Marie-Tooth disease, axonal, type 20. Identifiers: Orphanet 284232, MedGen C3280220, MONDO:0013644, OMIM 614228.

Allele frequency attached by ClinVar (database versions not stated): ExAC 0.00001; gnomAD exomes 0.00002 and 0.00003; TOPMed 0.00003; gnomAD 0.00008 and 0.00009.
gnomAD v4.1: 45 of 1,614,214 alleles (0.0028%); highest among the groups gnomAD compares: Middle Eastern, 0.033%; 1 homozygote.

Submissions (2):

Labcorp Genetics (formerly Invitae), Labcorp
Classification: Likely benign for Charcot-Marie-Tooth disease axonal type 2O. Last evaluated: 2025-11-01. Review status: criteria provided, single submitter. Criteria: Invitae Variant Classification Sherloc (09022015). Collection method: clinical testing. Allele origin: germline.

GeneDx
Classification: Likely benign. Last evaluated: 2017-11-14. Review status: criteria provided, single submitter. Criteria: GeneDx Variant Classification (06012015). Collection method: clinical testing. Allele origin: germline. Affected: yes.
Comment: This variant is considered likely benign or benign based on one or more of the following criteria: it is a conservative change, it occurs at a poorly conserved position in the protein, it is predicted to be benign by multiple in silico algorithms, and/or has population frequency not consistent with disease.

NM_001376.5(DYNC1H1):c.10627-15G>A

Gene: DYNC1H1 (dynein cytoplasmic 1 heavy chain 1; plus strand). Cytogenetic location: 14q32.31.
Variant type: single nucleotide variant.
Coding change: c.10627-15G>A on transcript NM_001376.5 (MANE Select); 15 bases into the intron before coding-DNA position 10627, G replaced by A.
Molecular consequence: intron variant.
Genome position (GRCh38, 1-based): chr14:102,034,310, G>A. VCF-style: chr14-102034310-G-A. GRCh37 (hg19) VCF-style: chr14-102500647-G-A.
Identifiers: ClinVar variation 513355 (VCV000513355.8), dbSNP rs767876392, ClinGen allele CA7353452.
Genomic context (GRCh38, chr14:102,034,310, plus strand): 5'-TGCACAGTTAGAGTCTTGAGAACAGTCCCATCTGTGGCTGTGAAGAGGAGGAAAGGTAAC[G>A]GCCTTGCCTTTCAGTTCCGTACAGATATTGCCAGGACGGAATACCTTTCCAATGCTGATG-3'